The following is an entry in ClinVar:

NM_006204.4(PDE6C):c.1455T>G (p.Cys485Trp)

Gene: PDE6C (phosphodiesterase 6C; plus strand). Cytogenetic location: 10q23.33.
Variant type: single nucleotide variant.
Coding change: c.1455T>G on transcript NM_006204.4 (MANE Select); coding-DNA position 1455, T replaced by G.
Protein change: p.Cys485Trp; replaces cysteine 485 with tryptophan.
Molecular consequence: missense variant.
Genome position (GRCh38, 1-based): chr10:93,637,036, T>G. VCF-style: chr10-93637036-T-G. GRCh37 (hg19) VCF-style: chr10-95396793-T-G.
Other names: short protein forms C485W.
Identifiers: ClinVar variation 1383025 (VCV001383025.6), dbSNP rs2134608721, ClinGen allele CA377616277.

ClinVar aggregate classification (germline): Uncertain significance (1 of 4 stars; one submission).

Submission:

Labcorp Genetics (formerly Invitae), Labcorp
Classification: Uncertain significance. Last evaluated: 2022-06-13. Review status: criteria provided, single submitter. Criteria: Invitae Variant Classification Sherloc (09022015). Collection method: clinical testing. Allele origin: germline.
Comment: In summary, the available evidence is currently insufficient to determine the role of this variant in disease. Therefore, it has been classified as a Variant of Uncertain Significance. This variant has not been reported in the literature in individuals affected with PDE6C-related conditions. This variant is not present in population databases (gnomAD no frequency). This sequence change replaces cysteine, which is neutral and slightly polar, with tryptophan, which is neutral and slightly polar, at codon 485 of the PDE6C protein (p.Cys485Trp). Algorithms developed to predict the effect of missense changes on protein structure and function are either unavailable or do not agree on the potential impact of this missense change (SIFT: "Deleterious"; PolyPhen-2: "Possibly Damaging"; Align-GVGD: "Class C15").